The following is an entry in ClinVar:

NM_001377.3(DYNC2H1):c.4968+7G>A

Gene: DYNC2H1 (dynein cytoplasmic 2 heavy chain 1; plus strand). Cytogenetic location: 11q22.3.
Variant type: single nucleotide variant.
Coding change: c.4968+7G>A on transcript NM_001377.3 (MANE Select); 7 bases into the intron after coding-DNA position 4968, G replaced by A.
Molecular consequence: intron variant.
Genome position (GRCh38, 1-based): chr11:103,168,967, G>A. VCF-style: chr11-103168967-G-A. GRCh37 (hg19) VCF-style: chr11-103039696-G-A.
Other names: c.4968+7G>A (NM_001080463.2).
Identifiers: ClinVar variation 696977 (VCV000696977.9), dbSNP rs186890804, ClinGen allele CA6253665.

ClinVar aggregate classification (germline): Benign/Likely benign. Review status: criteria provided, multiple submitters, no conflicts (2 of 4 stars). 3 submissions from 3 submitters: Benign (1); Likely benign (1). 1 of the submissions does not count toward it. Last evaluated 2026-01-09.

Conditions:
DYNC2H1-related disorder. Also called: DYNC2H1-related disorders; DYNC2H1-related condition. Identifiers: MedGen CN378770.
Jeune thoracic dystrophy. Also called: Jeune syndrome; Infantile thoracic dystrophy; Thoracic pelvic phalangeal dystrophy; Jeune's syndrome; Chondroectodermal dysplasia-like syndrome; Short-rib thoracic dysplasia. Identifiers: Orphanet 474, MedGen C0265275, MONDO:0018770.

Allele frequency attached by ClinVar (database versions not stated): gnomAD 0.00011 and 0.00008; TOPMed 0.00015; ExAC 0.00027; gnomAD exomes 0.00006 and 0.00032; 1000 Genomes Project 0.00040; 1000 Genomes Project 30x 0.00062.
gnomAD v4.1: 106 of 1,581,544 alleles (0.0067%); highest among the groups gnomAD compares: East Asian, 0.23%; no homozygotes.

Submissions (3):

Labcorp Genetics (formerly Invitae), Labcorp
Classification: Benign for Jeune thoracic dystrophy. Last evaluated: 2026-01-09. Review status: criteria provided, single submitter. Criteria: Invitae Variant Classification Sherloc (09022015). Collection method: clinical testing. Allele origin: germline.

Blueprint Genetics
Classification: Likely benign. Last evaluated: 2024-07-11. Review status: criteria provided, single submitter. Criteria: ACMG Guidelines, 2015. Collection method: clinical testing. Allele origin: germline.

PreventionGenetics, part of Exact Sciences
Classification: Likely benign for DYNC2H1-related condition. Last evaluated: 2024-09-13. Review status: no assertion criteria provided. Collection method: clinical testing. Allele origin: germline. Not counted in ClinVar's aggregate classification.
Comment: This variant is classified as likely benign based on ACMG/AMP sequence variant interpretation guidelines (Richards et al. 2015 PMID: 25741868, with internal and published modifications).